The following is an entry in ClinVar:

ClinVar aggregate classification (germline): Conflicting classifications of pathogenicity. Review status: criteria provided, conflicting classifications (1 of 4 stars). 9 submissions from 9 submitters: Uncertain significance (1); Benign (2); Likely benign (3). 3 of the submissions do not count toward it. Last evaluated 2026-02-02.

Conditions:
RPGR-related disorder. Also called: RPGR-related condition.
Primary ciliary dyskinesia. Also called: Ciliary dyskinesia. Identifiers: Orphanet 244, MedGen C0008780, MONDO:0016575, HP:0012265.

Allele frequency attached by ClinVar (database versions not stated): gnomAD exomes 0.00272 and 0.00196; 1000 Genomes Project 30x 0.00042; 1000 Genomes Project 0.00053; ExAC 0.00178; gnomAD 0.00188 and 0.00191; TOPMed 0.00198; ESP Exome Variant Server 0.00208.
gnomAD v4.1: 3,205 of 1,209,422 alleles (0.27%); highest among the groups gnomAD compares: Middle Eastern, 0.8%; 7 homozygotes.

Submissions (9):

Labcorp Genetics (formerly Invitae), Labcorp
Classification: Benign for Primary ciliary dyskinesia. Last evaluated: 2026-02-02. Review status: criteria provided, single submitter. Criteria: Invitae Variant Classification Sherloc (09022015). Collection method: clinical testing. Allele origin: germline.

PreventionGenetics, part of Exact Sciences
Classification: Likely benign for RPGR-related condition. Last evaluated: 2024-12-17. Review status: criteria provided, single submitter. Criteria: ACMG Guidelines, 2015. Collection method: clinical testing. Allele origin: germline.
Comment: This variant is classified as likely benign based on ACMG/AMP sequence variant interpretation guidelines (Richards et al. 2015 PMID: 25741868, with internal and published modifications).

Blueprint Genetics
Classification: Likely benign. Last evaluated: 2024-11-25. Review status: criteria provided, single submitter. Criteria: ACMG Guidelines, 2015. Collection method: clinical testing. Allele origin: germline.

Ambry Genetics
Classification: Likely benign for Primary ciliary dyskinesia. Last evaluated: 2017-12-20. Review status: criteria provided, single submitter. Criteria: Ambry Variant Classification Scheme 2023. Collection method: clinical testing. Allele origin: germline.

CeGaT Center for Human Genetics Tuebingen
Classification: Uncertain significance. Last evaluated: 2017-06-01. Review status: criteria provided, single submitter. Criteria: CeGaT Center For Human Genetics Tuebingen Variant Classification Criteria Version 2. Collection method: clinical testing. Allele origin: germline. Affected: yes. Observed: 1 variant allele.

Eurofins Ntd Llc (ga)
Classification: Benign. Last evaluated: 2015-04-17. Review status: criteria provided, single submitter. Criteria: EGL Classification Definitions 2015. Collection method: clinical testing. Allele origin: germline. Observed: 1 variant allele, 1 hemizygote.

Clinical Genetics DNA and cytogenetics Diagnostics Lab, Erasmus MC, Erasmus Medical Center
Classification: Likely benign. Review status: no assertion criteria provided. Collection method: clinical testing. Allele origin: germline. Affected: yes. Study: VKGL Data-share Consensus. Not counted in ClinVar's aggregate classification.

Clinical Genetics, Academic Medical Center
Classification: Benign. Review status: no assertion criteria provided. Collection method: clinical testing. Allele origin: germline. Affected: yes. Study: VKGL Data-share Consensus. Not counted in ClinVar's aggregate classification.

Retina International
No classification provided. Review status: no classification provided. Collection method: not provided. Allele origin: not provided. Not counted in ClinVar's aggregate classification.

NM_001034853.2(RPGR):c.732G>A (p.Lys244=)

Gene: RPGR (retinitis pigmentosa GTPase regulator; minus strand). Cytogenetic location: Xp11.4.
Variant type: single nucleotide variant.
Coding change: c.732G>A on transcript NM_001034853.2 (MANE Select); coding-DNA position 732, G replaced by A.
Protein change: p.Lys244=; no amino-acid change (lysine 244 retained).
Molecular consequence: synonymous variant. On other transcripts: non-coding transcript variant (6).
Genome position (GRCh38, 1-based): chrX:38,310,661, C>T on the plus strand (G>A on the coding strand, the complement: RPGR is on the minus strand). VCF-style: chrX-38310661-C-T. GRCh37 (hg19) VCF-style: chrX-38169914-C-T.
Other names: c.732G>A (NM_001034853.1); c.732G>A, p.Lys244= (NM_000328.3, NM_001367246.1, NM_001367247.1 and 1 more transcripts); c.729G>A, p.Lys243= (NM_001367245.1, NM_001367249.1, NM_001367250.1); c.762G>A, p.Lys254= (NM_001367248.1).
Identifiers: ClinVar variation 98797 (VCV000098797.63), dbSNP rs62638654, ClinGen allele CA203398.